The following is an entry in ClinVar:

NM_000784.4(CYP27A1):c.248A>C (p.Gln83Pro)

Gene: CYP27A1 (cytochrome P450 family 27 subfamily A member 1; plus strand). Cytogenetic location: 2q35.
Variant type: single nucleotide variant.
Coding change: c.248A>C on transcript NM_000784.4 (MANE Select); coding-DNA position 248, A replaced by C.
Protein change: p.Gln83Pro; replaces glutamine 83 with proline.
Molecular consequence: missense variant.
Genome position (GRCh38, 1-based): chr2:218,782,430, A>C. VCF-style: chr2-218782430-A-C. GRCh37 (hg19) VCF-style: chr2-219647153-A-C.
Other names: c.248A>C (NM_000784.3); short protein forms Q83P.
Identifiers: ClinVar variation 501951 (VCV000501951.7), dbSNP rs185591162, ClinGen allele CA2112539.
Genomic context (GRCh38, chr2:218,782,430, plus strand): 5'-TAGGACAGCTGCGCTTCTTCTTTCAGCTGTTCGTTCAAGGCTATGCCCTGCAACTGCACC[A>C]GTTACAGGTAACCCGCGGGGGCATCGCGTCCTGGGGATGGGAGTGGGCACCGGAACAGAG-3'
Protein context (NP_000775.1, residues 73-93): FVQGYALQLH[Gln83Pro]LQVLYKAKYG

ClinVar aggregate classification (germline): Uncertain significance. Review status: criteria provided, multiple submitters, no conflicts (2 of 4 stars). 3 submissions from 3 submitters: Uncertain significance (3). Last evaluated 2026-06-15.

Conditions:
CYP27A1-related disorder. Also called: CYP27A1-related condition.
Cardiovascular phenotype. Identifiers: MedGen CN230736.

Allele frequency attached by ClinVar (database versions not stated): ExAC 0.00001; gnomAD 0.00001; gnomAD exomes 0.00001; TOPMed 0.00001; 1000 Genomes Project 30x 0.00016; 1000 Genomes Project 0.00020.
gnomAD v4.1: 7 of 1,614,210 alleles (0.00043%); highest among the groups gnomAD compares: Middle Eastern, 0.017%; no homozygotes.

Submissions (3):

PreventionGenetics, part of Exact Sciences
Classification: Uncertain significance for CYP27A1-related condition. Last evaluated: 2026-06-15. Review status: criteria provided, single submitter. Criteria: ACMG Guidelines, 2015. Collection method: clinical testing. Allele origin: germline.
Comment: The CYP27A1 c.248A>C variant is predicted to result in the amino acid substitution p.Gln83Pro. This variant has been reported in an individual with bilateral achilles tendon xanthomas since adolescence, hyperlipidemia, and bilateral cataracts (Peabody et al. 2025. doi/10.1212/WNL.0000000000211381; Dabarber et al. 2026. doi/10.1016/j.gimo.2026.103748). This variant is reported in 0.0029% of alleles in individuals of Latino descent in gnomAD. Although we suspect that this variant may be pathogenic, at this time, the clinical significance of this variant is uncertain due to the absence of conclusive functional and genetic evidence.

Ambry Genetics
Classification: Uncertain significance for Cardiovascular phenotype. Last evaluated: 2024-05-02. Review status: criteria provided, single submitter. Criteria: Ambry Variant Classification Scheme 2023. Collection method: clinical testing. Allele origin: germline.
Comment: The p.Q83P variant (also known as c.248A>C), located in coding exon 1 of the CYP27A1 gene, results from an A to C substitution at nucleotide position 248. The glutamine at codon 83 is replaced by proline, an amino acid with similar properties. This amino acid position is conserved. In addition, this alteration is predicted to be tolerated by in silico analysis. Based on the available evidence, the clinical significance of this variant remains unclear.

Eurofins Ntd Llc (ga)
Classification: Uncertain significance. Last evaluated: 2017-05-08. Review status: criteria provided, single submitter. Criteria: EGL Classification Definitions 2015. Collection method: clinical testing. Allele origin: germline. Observed: 1 variant allele, 1 homozygote.